The following is an entry in ClinVar:

ClinVar aggregate classification (germline): Pathogenic/Likely pathogenic. Review status: criteria provided, multiple submitters, no conflicts (2 of 4 stars). 4 submissions from 4 submitters: Pathogenic (1); Likely pathogenic (3). Last evaluated 2024-12-09.

Conditions:
Vitelliform macular dystrophy 2. Also called: MACULAR DEGENERATION, POLYMORPHIC VITELLINE; Best Vitelliform Macular Dystrophy (BVMD); Best Macular Dystrophy; Best vitelliform macular dystrophy, multifocal; VITELLIFORM MACULAR DYSTROPHY, EARLY-ONSET; VITELLIFORM MACULAR DYSTROPHY, JUVENILE-ONSET. Identifiers: Orphanet 1243, MedGen C2745945, MONDO:0007931, OMIM 153700.
BEST1-related disorder. Also called: BEST1-related disorders; BEST1-related condition. Identifiers: MedGen CN239200.

Allele frequency attached by ClinVar (database versions not stated): ExAC 0.00001; gnomAD exomes 0.00001; TOPMed 0.00002; gnomAD 0.00005; ESP Exome Variant Server 0.00008.
gnomAD v4.1: 99 of 1,614,138 alleles (0.0061%); highest among the groups gnomAD compares: Non-Finnish European, 0.0081%; no homozygotes.

Submissions (4):

PreventionGenetics, part of Exact Sciences
Classification: Likely pathogenic for BEST1-related condition. Last evaluated: 2024-12-09. Review status: criteria provided, single submitter. Criteria: ACMG Guidelines, 2015. Collection method: clinical testing. Allele origin: germline.
Comment: The BEST1 c.1552G>T variant is predicted to result in premature protein termination (p.Glu518*). To our knowledge, this variant has not been reported in the literature. This variant is reported in 0.0040% of alleles in individuals of African descent in gnomAD. Nonsense variants in BEST1 are expected to be pathogenic. This variant is interpreted as likely pathogenic.

Labcorp Genetics (formerly Invitae), Labcorp
Classification: Pathogenic. Last evaluated: 2024-07-13. Review status: criteria provided, single submitter. Criteria: Invitae Variant Classification Sherloc (09022015). Collection method: clinical testing. Allele origin: germline.
Comment: This sequence change creates a premature translational stop signal (p.Glu518*) in the BEST1 gene. It is expected to result in an absent or disrupted protein product. Loss-of-function variants in BEST1 are known to be pathogenic (PMID: 21825197). This variant is present in population databases (rs370835731, gnomAD 0.004%). This variant has not been reported in the literature in individuals affected with BEST1-related conditions. ClinVar contains an entry for this variant (Variation ID: 1069280). For these reasons, this variant has been classified as Pathogenic.

Blueprint Genetics
Classification: Likely pathogenic for BEST1-related disorders. Last evaluated: 2022-05-18. Review status: criteria provided, single submitter. Criteria: ACMG Guidelines, 2015. Collection method: clinical testing. Allele origin: germline. Affected: yes. Observed: 5 variant alleles.

Genetics and Molecular Pathology, SA Pathology
Classification: Likely pathogenic for Vitelliform macular dystrophy 2. Last evaluated: 2021-08-16. Review status: criteria provided, single submitter. Criteria: ACMG Guidelines, 2015. Collection method: clinical testing. Allele origin: germline. Affected: yes.

Literature cited by the submitters: PubMed 21825197 (cited by Labcorp Genetics (formerly Invitae), Labcorp).

NM_004183.4(BEST1):c.1552G>T (p.Glu518Ter)

Gene: BEST1 (bestrophin 1; plus strand). Cytogenetic location: 11q12.3.
Variant type: single nucleotide variant.
Coding change: c.1552G>T on transcript NM_004183.4 (MANE Select); coding-DNA position 1552, G replaced by T.
Protein change: p.Glu518Ter; replaces glutamic acid 518 with a stop codon.
Molecular consequence: nonsense. On other transcripts: non-coding transcript variant (1).
Genome position (GRCh38, 1-based): chr11:61,962,706, G>T. VCF-style: chr11-61962706-G-T. GRCh37 (hg19) VCF-style: chr11-61730178-G-T.
Other names: c.1372G>T, p.Glu458Ter (NM_001139443.3, NM_001300787.2); c.1291G>T, p.Glu431Ter (NM_001300786.2); c.1234G>T, p.Glu412Ter (NM_001363591.3); c.*447G>T (NM_001363592.2); c.580G>T, p.Glu194Ter (NM_001363593.3); short protein forms E194*, E412*, E431*, E458*, E518*.
Identifiers: ClinVar variation 1069280 (VCV001069280.11), dbSNP rs370835731, ClinGen allele CA6041080.